The following is an entry in ClinVar:

NM_013336.4(SEC61A1):c.764T>C (p.Val255Ala)

Genes: RUVBL1 (RuvB like AAA ATPase 1; minus strand), SEC61A1 (SEC61 translocon subunit alpha 1; plus strand). Cytogenetic location: 3q21.3.
Variant type: single nucleotide variant.
Coding change: c.764T>C on transcript NM_013336.4 (MANE Select); coding-DNA position 764, T replaced by C.
Protein change: p.Val255Ala; replaces valine 255 with alanine.
Molecular consequence: missense variant. On other transcripts: 3 prime UTR variant (1).
Genome position (GRCh38, 1-based): chr3:128,065,024, T>C. VCF-style: chr3-128065024-T-C. GRCh37 (hg19) VCF-style: chr3-127783867-T-C.
Other names: c.782T>C, p.Val261Ala (NM_001400328.1); c.605T>C, p.Val202Ala (NM_001400329.1); c.*188A>G (NM_001319086.1); short protein forms V202A, V255A, V261A.
Identifiers: ClinVar variation 2728053 (VCV002728053.3), dbSNP rs2473033857, ClinGen allele CA354397953.

ClinVar aggregate classification (germline): Uncertain significance (1 of 4 stars; one submission).

Submission:

Labcorp Genetics (formerly Invitae), Labcorp
Classification: Uncertain significance. Last evaluated: 2023-06-24. Review status: criteria provided, single submitter. Criteria: Invitae Variant Classification Sherloc (09022015). Collection method: clinical testing. Allele origin: germline.
Comment: In summary, the available evidence is currently insufficient to determine the role of this variant in disease. Therefore, it has been classified as a Variant of Uncertain Significance. Advanced modeling of protein sequence and biophysical properties (such as structural, functional, and spatial information, amino acid conservation, physicochemical variation, residue mobility, and thermodynamic stability) performed at Invitae indicates that this missense variant is not expected to disrupt SEC61A1 protein function. This variant has not been reported in the literature in individuals affected with SEC61A1-related conditions. This variant is not present in population databases (gnomAD no frequency). This sequence change replaces valine, which is neutral and non-polar, with alanine, which is neutral and non-polar, at codon 255 of the SEC61A1 protein (p.Val255Ala).